The following is an entry in ClinVar:

ClinVar aggregate classification (germline): Uncertain significance (1 of 4 stars; one submission).

gnomAD v4.1: 2 of 1,610,920 alleles (0.00012%); highest among the groups gnomAD compares: Non-Finnish European, 0.00017%; no homozygotes.

Submission:

Labcorp Genetics (formerly Invitae), Labcorp
Classification: Uncertain significance. Last evaluated: 2022-02-21. Review status: criteria provided, single submitter. Criteria: Invitae Variant Classification Sherloc (09022015). Collection method: clinical testing. Allele origin: germline.
Comment: This sequence change replaces histidine, which is basic and polar, with arginine, which is basic and polar, at codon 632 of the ASXL2 protein (p.His632Arg). This variant is not present in population databases (gnomAD no frequency). This variant has not been reported in the literature in individuals affected with ASXL2-related conditions. Algorithms developed to predict the effect of missense changes on protein structure and function are either unavailable or do not agree on the potential impact of this missense change (SIFT: "Tolerated"; PolyPhen-2: "Not Available"; Align-GVGD: "Class C0"). In summary, the available evidence is currently insufficient to determine the role of this variant in disease. Therefore, it has been classified as a Variant of Uncertain Significance.

NM_018263.6(ASXL2):c.1895A>G (p.His632Arg)

Gene: ASXL2 (ASXL transcriptional regulator 2; minus strand). Cytogenetic location: 2p23.3.
Variant type: single nucleotide variant.
Coding change: c.1895A>G on transcript NM_018263.6 (MANE Select); coding-DNA position 1895, A replaced by G.
Protein change: p.His632Arg; replaces histidine 632 with arginine.
Molecular consequence: missense variant.
Genome position (GRCh38, 1-based): chr2:25,744,442, T>C on the plus strand (A>G on the coding strand, the complement: ASXL2 is on the minus strand). VCF-style: chr2-25744442-T-C. GRCh37 (hg19) VCF-style: chr2-25967311-T-C.
Other names: c.1721A>G, p.His574Arg (NM_001369346.1); c.1115A>G, p.His372Arg (NM_001369347.1); short protein forms H574R, H632R, H372R.
Identifiers: ClinVar variation 2101300 (VCV002101300.4), dbSNP rs2465307662, ClinGen allele CA346082766.